The following is an entry in ClinVar:

ClinVar aggregate classification (germline): Uncertain significance (1 of 4 stars; one submission).

Allele frequency attached by ClinVar (database versions not stated): gnomAD exomes below 0.00001.
gnomAD v4.1: 1 of 1,576,740 alleles (0.000063%); highest among the groups gnomAD compares: Non-Finnish European, 0.000085%; no homozygotes.

Submission:

Labcorp Genetics (formerly Invitae), Labcorp
Classification: Uncertain significance. Last evaluated: 2023-03-03. Review status: criteria provided, single submitter. Criteria: Invitae Variant Classification Sherloc (09022015). Collection method: clinical testing. Allele origin: germline.
Comment: In summary, the available evidence is currently insufficient to determine the role of this variant in disease. Therefore, it has been classified as a Variant of Uncertain Significance. Advanced modeling of protein sequence and biophysical properties (such as structural, functional, and spatial information, amino acid conservation, physicochemical variation, residue mobility, and thermodynamic stability) performed at Invitae indicates that this missense variant is not expected to disrupt TFRC protein function. This variant has not been reported in the literature in individuals affected with TFRC-related conditions. This variant is not present in population databases (gnomAD no frequency). This sequence change replaces histidine, which is basic and polar, with arginine, which is basic and polar, at codon 401 of the TFRC protein (p.His401Arg).

NM_001128148.3(TFRC):c.1202A>G (p.His401Arg)

Gene: TFRC (transferrin receptor; minus strand). Cytogenetic location: 3q29.
Variant type: single nucleotide variant.
Coding change: c.1202A>G on transcript NM_001128148.3 (MANE Select); coding-DNA position 1202, A replaced by G.
Protein change: p.His401Arg; replaces histidine 401 with arginine.
Molecular consequence: missense variant.
Genome position (GRCh38, 1-based): chr3:196,064,425, T>C on the plus strand (A>G on the coding strand, the complement: TFRC is on the minus strand). VCF-style: chr3-196064425-T-C. GRCh37 (hg19) VCF-style: chr3-195791296-T-C.
Other names: c.959A>G, p.His320Arg (NM_001313965.2); c.356A>G, p.His119Arg (NM_001313966.2); c.1202A>G, p.His401Arg (NM_003234.4); short protein forms H320R, H119R, H401R.
Identifiers: ClinVar variation 2842551 (VCV002842551.3), dbSNP rs1479326218, ClinGen allele CA355571801.
Genomic context (GRCh38, chr3:196,064,425, plus strand): 5'-ACACCGGATTTTGCAGCTCCAGGGCCCCATGCATCTCTCTGGGCCCCAACTACAACATAG[T>C]GATCTTTAAAAAAGAAAAAAGAGGAAGAAAGAACTTATATAATCAGCTTCTAAACTTTTC-3'
Protein context (NP_001121620.1, residues 391-411): GVIKGFVEPD[His401Arg]YVVVGAQRDA